The following is an entry in ClinVar:

ClinVar aggregate classification (germline): Uncertain significance (1 of 4 stars; one submission).

Submission:

GeneDx
Classification: Uncertain significance. Last evaluated: 2025-01-16. Review status: criteria provided, single submitter. Criteria: GeneDx Variant Classification Process June 2021. Collection method: clinical testing. Allele origin: germline.
Comment: Not observed at significant frequency in large population cohorts (gnomAD); Has not been previously published as pathogenic or benign to our knowledge; In silico analysis indicates that this missense variant does not alter protein structure/function

NM_015107.3(PHF8):c.1672C>A (p.Pro558Thr)

Gene: PHF8 (PHD finger protein 8; minus strand). Cytogenetic location: Xp11.22.
Variant type: single nucleotide variant.
Coding change: c.1672C>A on transcript NM_015107.3 (MANE Select); coding-DNA position 1672, C replaced by A.
Protein change: p.Pro558Thr; replaces proline 558 with threonine.
Molecular consequence: missense variant.
Genome position (GRCh38, 1-based): chrX:53,992,794, G>T on the plus strand (C>A on the coding strand, the complement: PHF8 is on the minus strand). VCF-style: chrX-53992794-G-T. GRCh37 (hg19) VCF-style: chrX-54019227-G-T.
Other names: c.1780C>A, p.Pro594Thr (NM_001184896.1); c.1369C>A, p.Pro457Thr (NM_001184897.2); c.1672C>A, p.Pro558Thr (NM_001184898.2); short protein forms P457T, P558T, P594T.
Identifiers: ClinVar variation 2503234 (VCV002503234.2), dbSNP rs2519562627, ClinGen allele CA413256760.